The following is an entry in ClinVar:

NM_024334.3(TMEM43):c.401C>T (p.Thr134Ile)

Gene: TMEM43 (transmembrane protein 43; plus strand). Cytogenetic location: 3p25.1.
Variant type: single nucleotide variant.
Coding change: c.401C>T on transcript NM_024334.3 (MANE Select); coding-DNA position 401, C replaced by T.
Protein change: p.Thr134Ile; replaces threonine 134 with isoleucine.
Molecular consequence: missense variant.
Genome position (GRCh38, 1-based): chr3:14,132,554, C>T. VCF-style: chr3-14132554-C-T. GRCh37 (hg19) VCF-style: chr3-14174054-C-T.
Other names: c.401C>T, p.Thr134Ile (NM_001407274.1, NM_001407275.1, NM_001407276.1 and 2 more transcripts); c.386C>T, p.Thr129Ile (NM_001407278.1); c.251C>T, p.Thr84Ile (NM_001407280.1); short protein forms T129I, T84I, T134I.
Identifiers: ClinVar variation 3970679 (VCV003970679.2).

ClinVar aggregate classification (germline): Uncertain significance. Review status: criteria provided, multiple submitters, no conflicts (2 of 4 stars). 2 submissions from 2 submitters: Uncertain significance (2). Last evaluated 2025-11-16.

Conditions:
Cardiovascular phenotype. Identifiers: MedGen CN230736.
Arrhythmogenic right ventricular dysplasia 5. Also called: Arrhythmogenic Right Ventricular Dysplasia/Cardiomyopathy 5; ARRHYTHMOGENIC RIGHT VENTRICULAR DYSPLASIA, FAMILIAL, 5. Identifiers: MedGen C1858379, MONDO:0011459, OMIM 604400.

gnomAD v4.1: 1 of 1,614,128 alleles (0.000062%); highest among the groups gnomAD compares: African/African-American, 0.0013%; no homozygotes.

Submissions (2):

Labcorp Genetics (formerly Invitae), Labcorp
Classification: Uncertain significance for Arrhythmogenic right ventricular dysplasia 5. Last evaluated: 2025-11-16. Review status: criteria provided, single submitter. Criteria: Invitae Variant Classification Sherloc (09022015). Collection method: clinical testing. Allele origin: germline.
Comment: This sequence change replaces threonine, which is neutral and polar, with isoleucine, which is neutral and non-polar, at codon 134 of the TMEM43 protein (p.Thr134Ile). This variant is not present in population databases (gnomAD no frequency). This variant has not been reported in the literature in individuals affected with TMEM43-related conditions. ClinVar contains an entry for this variant (Variation ID: 3970679). Invitae Evidence Modeling of protein sequence and biophysical properties (such as structural, functional, and spatial information, amino acid conservation, physicochemical variation, residue mobility, and thermodynamic stability) indicates that this missense variant is not expected to disrupt TMEM43 protein function with a negative predictive value of 80%. In summary, the available evidence is currently insufficient to determine the role of this variant in disease. Therefore, it has been classified as a Variant of Uncertain Significance.

Ambry Genetics
Classification: Uncertain significance for Cardiovascular phenotype. Last evaluated: 2025-05-05. Review status: criteria provided, single submitter. Criteria: Ambry Variant Classification Scheme 2023. Collection method: clinical testing. Allele origin: germline.
Comment: The p.T134I variant (also known as c.401C>T), located in coding exon 5 of the TMEM43 gene, results from a C to T substitution at nucleotide position 401. The threonine at codon 134 is replaced by isoleucine, an amino acid with similar properties. This amino acid position is conserved. In addition, this alteration is predicted to be tolerated by in silico analysis. Based on the available evidence, the clinical significance of this variant remains unclear.